The following is an entry in ClinVar:

ClinVar aggregate classification (germline): Uncertain significance (1 of 4 stars; one submission).

Conditions:
Autosomal dominant limb-girdle muscular dystrophy type 1D (DNAJB6) (LGMDD1). Also called: MUSCULAR DYSTROPHY, LIMB-GIRDLE, TYPE 1D; Autosomal dominant limb-girdle muscular dystrophy type 1D; Muscular dystrophy, limb-girdle, autosomal dominant 1; MUSCULAR DYSTROPHY, AUTOSOMAL DOMINANT, WITH RIMMED VACUOLES. Identifiers: Orphanet 34516, MedGen C4721885, MONDO:0021018, OMIM 603511.

Submission:

Labcorp Genetics (formerly Invitae), Labcorp
Classification: Uncertain significance for Autosomal dominant limb-girdle muscular dystrophy type 1D (DNAJB6). Last evaluated: 2022-03-18. Review status: criteria provided, single submitter. Criteria: Invitae Variant Classification Sherloc (09022015). Collection method: clinical testing. Allele origin: germline.
Comment: A gross deletion of the genomic region encompassing the full coding sequence of the DNAJB6 gene has been identified. The current clinical and genetic evidence is not sufficient to establish whether loss-of-function variants in DNAJB6 cause disease. The boundaries of this event are unknown as they extend beyond the assayed region for this gene and therefore may encompass additional genes. This variant has not been reported in the literature in individuals affected with DNAJB6-related conditions. In summary, the available evidence is currently insufficient to determine the role of this variant in disease. Therefore, it has been classified as a Variant of Uncertain Significance.

NC_000007.13:g.(?_157151257)_(157208802_?)del

Gene: DNAJB6 (DnaJ heat shock protein family (Hsp40) member B6; plus strand). Cytogenetic location: 7q36.3.
Variant type: Deletion.
Identifiers: ClinVar variation 1412660 (VCV001412660.6).